The following is an entry in ClinVar:

NM_033124.5(DRC2):c.300+5G>A

Gene: DRC2 (dynein regulatory complex subunit 2; plus strand). Cytogenetic location: 12q13.12.
Variant type: single nucleotide variant.
Coding change: c.300+5G>A on transcript NM_033124.5 (MANE Select); 5 bases into the intron after coding-DNA position 300, G replaced by A.
Molecular consequence: intron variant.
Genome position (GRCh38, 1-based): chr12:48,905,118, G>A. VCF-style: chr12-48905118-G-A. GRCh37 (hg19) VCF-style: chr12-49298901-G-A.
Other names: c.-130+5G>A (NM_001286957.2).
Identifiers: ClinVar variation 1514606 (VCV001514606.6), dbSNP rs1939451798, ClinGen allele CA2034886066.
Genomic context (GRCh38, chr12:48,905,118, plus strand): 5'-AGATCCTCAGCCAAACATTTGAACGAGTGGTGGACTGTAAGGACAATGTCATCAAGGTAG[G>A]CACTCTTTCCAAGGAAACCTTGAGTATGGCTTCCTGACCTCTTAATAGAATGAGCCTAGT-3'

ClinVar aggregate classification (germline): Uncertain significance (1 of 4 stars; one submission).

Conditions:
Primary ciliary dyskinesia 27. Also called: CILIARY DYSKINESIA, PRIMARY, 27, WITHOUT SITUS INVERSUS. Identifiers: Orphanet 244, MedGen C3809701, MONDO:0014215, OMIM 615504.

Allele frequency attached by ClinVar (database versions not stated): gnomAD exomes 0.00001.
gnomAD v4.1: 4 of 1,587,310 alleles (0.00025%); highest among the groups gnomAD compares: East Asian, 0.0068%; no homozygotes.

Submission:

Labcorp Genetics (formerly Invitae), Labcorp
Classification: Uncertain significance for Primary ciliary dyskinesia 27. Last evaluated: 2025-07-28. Review status: criteria provided, single submitter. Criteria: Invitae Variant Classification Sherloc (09022015). Collection method: clinical testing. Allele origin: germline.
Comment: This sequence change falls in intron 2 of the CCDC65 gene. It does not directly change the encoded amino acid sequence of the CCDC65 protein. It affects a nucleotide within the consensus splice site. This variant is not present in population databases (gnomAD no frequency). This variant has not been reported in the literature in individuals affected with CCDC65-related conditions. ClinVar contains an entry for this variant (Variation ID: 1514606). Variants that disrupt the consensus splice site are a relatively common cause of aberrant splicing (PMID: 17576681, 9536098). Algorithms developed to predict the effect of sequence changes on RNA splicing suggest that this variant is not likely to affect RNA splicing. In summary, the available evidence is currently insufficient to determine the role of this variant in disease. Therefore, it has been classified as a Variant of Uncertain Significance.

Literature cited by the submitters: PubMed 17576681; PubMed 9536098.